The following is an entry in ClinVar:

ClinVar aggregate classification (germline): Uncertain significance. Review status: criteria provided, multiple submitters, no conflicts (2 of 4 stars). 2 submissions from 2 submitters: Uncertain significance (2). Last evaluated 2023-01-31.

Conditions:
Charcot-Marie-Tooth disease type 2. Also called: Charcot-Marie-Tooth type 2. Identifiers: Orphanet 64746, MedGen C0270914, MONDO:0018993.

gnomAD v4.1: 3 of 1,613,732 alleles (0.00019%); highest among the groups gnomAD compares: Non-Finnish European, 0.00025%; no homozygotes.

Submissions (2):

Ambry Genetics
Classification: Uncertain significance. Last evaluated: 2023-01-31. Review status: criteria provided, single submitter. Criteria: Ambry Variant Classification Scheme 2023. Collection method: clinical testing. Allele origin: germline.
Comment: The p.R520L variant (also known as c.1559G>T), located in coding exon 16 of the KIF1B gene, results from a G to T substitution at nucleotide position 1559. The arginine at codon 520 is replaced by leucine, an amino acid with dissimilar properties. This amino acid position is highly conserved in available vertebrate species. In addition, this alteration is predicted to be deleterious by in silico analysis. Since supporting evidence is limited at this time, the clinical significance of this alteration remains unclear.

Labcorp Genetics (formerly Invitae), Labcorp
Classification: Uncertain significance for Charcot-Marie-Tooth disease type 2. Last evaluated: 2021-10-09. Review status: criteria provided, single submitter. Criteria: Invitae Variant Classification Sherloc (09022015). Collection method: clinical testing. Allele origin: germline.
Comment: Algorithms developed to predict the effect of missense changes on protein structure and function are either unavailable or do not agree on the potential impact of this missense change (SIFT: "Deleterious"; PolyPhen-2: "Probably Damaging"; Align-GVGD: "Class C0"). In summary, the available evidence is currently insufficient to determine the role of this variant in disease. Therefore, it has been classified as a Variant of Uncertain Significance. This variant has not been reported in the literature in individuals affected with KIF1B-related conditions. This variant is not present in population databases (ExAC no frequency). This sequence change replaces arginine with leucine at codon 520 of the KIF1B protein (p.Arg520Leu). The arginine residue is highly conserved and there is a moderate physicochemical difference between arginine and leucine.

NM_001365951.3(KIF1B):c.1697G>T (p.Arg566Leu)

Gene: KIF1B (kinesin family member 1B; plus strand). Cytogenetic location: 1p36.22.
Variant type: single nucleotide variant.
Coding change: c.1697G>T on transcript NM_001365951.3 (MANE Select); coding-DNA position 1697, G replaced by T.
Protein change: p.Arg566Leu; replaces arginine 566 with leucine.
Molecular consequence: missense variant.
Genome position (GRCh38, 1-based): chr1:10,295,686, G>T. VCF-style: chr1-10295686-G-T. GRCh37 (hg19) VCF-style: chr1-10355744-G-T.
Other names: c.1697G>T, p.Arg566Leu (NM_001365952.1); c.1559G>T, p.Arg520Leu (NM_001365953.1, NM_015074.3, NM_183416.4); short protein forms R520L, R566L.
Identifiers: ClinVar variation 1509964 (VCV001509964.8), dbSNP rs751881065, ClinGen allele CA17812861.
Genomic context (GRCh38, chr1:10,295,686, plus strand): 5'-AATTTCCCTGGGAAACACTTTCTCTTGTGTTCAGGGTTGGCCAAGCAGATGCTGAGCGGC[G>T]CCAGGACATAGTGCTGAGCGGGGCTCACATTAAAGAAGAGCATTGTATCTTCCGGAGTGA-3'
Protein context (NP_001352880.1, residues 556-576): TRVGQADAER[Arg566Leu]QDIVLSGAHI